The following is an entry in ClinVar:

ClinVar aggregate classification (germline): Uncertain significance. Review status: criteria provided, single submitter (1 of 4 stars). 2 submissions from 2 submitters: Uncertain significance (1). 1 of the submissions does not count toward it. Last evaluated 2021-12-22.

Conditions:
TNF receptor-associated periodic fever syndrome (TRAPS) (FPF). Also called: Autosomal Dominant Familial Periodic Fever; TNF RECEPTOR-ASSOCIATED PERIODIC SYNDROME; TUMOR NECROSIS FACTOR RECEPTOR-ASSOCIATED PERIODIC SYNDROME; TNF Receptor-Associated Periodic Fever Syndrome; FAMILIAL HIBERNIAN FEVER; TNF receptor 1-associated periodic fever syndrome. Identifiers: Orphanet 32960, MedGen C1275126, MONDO:0007727, OMIM 142680.

Submissions (2):

GeneDx
Classification: Uncertain significance. Last evaluated: 2021-12-22. Review status: criteria provided, single submitter. Criteria: GeneDx Variant Classification Process June 2021. Collection method: clinical testing. Allele origin: germline. Affected: yes.
Comment: Not observed at significant frequency in large population cohorts (gnomAD); In silico analysis supports that this missense variant has a deleterious effect on protein structure/function; Also known as p.(S86P); This variant is associated with the following publications: (PMID: 11443543)

Unité médicale des maladies autoinflammatoires, CHRU Montpellier
No classification provided. Condition: TNF receptor-associated periodic fever syndrome (TRAPS). Review status: no classification provided. Collection method: not provided. Allele origin: unknown. Not counted in ClinVar's aggregate classification.

NM_001065.4(TNFRSF1A):c.343T>C (p.Ser115Pro)

Gene: TNFRSF1A (TNF receptor superfamily member 1A; minus strand). Cytogenetic location: 12p13.31.
Variant type: single nucleotide variant.
Coding change: c.343T>C on transcript NM_001065.4 (MANE Select); coding-DNA position 343, T replaced by C.
Protein change: p.Ser115Pro; replaces serine 115 with proline.
Molecular consequence: missense variant. On other transcripts: 5 prime UTR variant (1), non-coding transcript variant (1).
Genome position (GRCh38, 1-based): chr12:6,333,496, A>G on the plus strand (T>C on the coding strand, the complement: TNFRSF1A is on the minus strand). VCF-style: chr12-6333496-A-G. GRCh37 (hg19) VCF-style: chr12-6442662-A-G.
Other names: c.19T>C, p.Ser7Pro (NM_001346091.2); c.-235T>C (NM_001346092.2); short protein forms S115P, S7P.
Identifiers: ClinVar variation 97693 (VCV000097693.3), dbSNP rs104895226, ClinGen allele CA280834.